The following is an entry in ClinVar:

NM_032217.5(ANKRD17):c.7338T>A (p.Ile2446=)

Gene: ANKRD17 (ankyrin repeat domain 17; minus strand). Cytogenetic location: 4q13.3.
Variant type: single nucleotide variant.
Coding change: c.7338T>A on transcript NM_032217.5 (MANE Select); coding-DNA position 7338, T replaced by A.
Protein change: p.Ile2446=; no amino-acid change (isoleucine 2446 retained).
Molecular consequence: synonymous variant.
Genome position (GRCh38, 1-based): chr4:73,078,712, A>T on the plus strand (T>A on the coding strand, the complement: ANKRD17 is on the minus strand). VCF-style: chr4-73078712-A-T. GRCh37 (hg19) VCF-style: chr4-73944429-A-T.
Other names: c.6999T>A, p.Ile2333= (NM_001286771.3); c.7335T>A, p.Ile2445= (NM_015574.2); c.6585T>A, p.Ile2195= (NM_198889.3).
Identifiers: ClinVar variation 2629916 (VCV002629916.1), dbSNP rs374167645, ClinGen allele CA2957809.

ClinVar aggregate classification (germline): Uncertain significance (1 of 4 stars; one submission).

Conditions:
ANKRD17-related disorder. Also called: ANKRD17-related condition.

Allele frequency attached by ClinVar (database versions not stated): TOPMed below 0.00001; ExAC 0.00001; gnomAD 0.00001; ESP Exome Variant Server 0.00008.
gnomAD v4.1: 5 of 1,614,076 alleles (0.00031%); highest among the groups gnomAD compares: Non-Finnish European, 0.00034%; no homozygotes.

Submission:

PreventionGenetics, part of Exact Sciences
Classification: Uncertain significance for ANKRD17-related condition. Last evaluated: 2023-01-26. Review status: criteria provided, single submitter. Criteria: ACMG Guidelines, 2015. Collection method: clinical testing. Allele origin: germline.
Comment: The ANKRD17 c.7338T>A variant is not predicted to result in an amino acid change (p.=). This variant may activate a cryptic splice site based on available splicing prediction programs (Alamut Visual Plus v1.6.1). However, such computer prediction programs are imperfect. To our knowledge, this variant has not been reported in the literature. This variant is reported in 0.00088% of alleles in individuals of European (Non-Finnish) descent in gnomAD. At this time, the clinical significance of this variant is uncertain due to the absence of conclusive functional and genetic evidence.